The following is an entry in ClinVar:

NM_004415.4(DSP):c.860A>C (p.Asn287Thr)

Gene: DSP (desmoplakin; plus strand). Cytogenetic location: 6p24.3.
Variant type: single nucleotide variant.
Coding change: c.860A>C on transcript NM_004415.4 (MANE Select); coding-DNA position 860, A replaced by C.
Protein change: p.Asn287Thr; replaces asparagine 287 with threonine.
Molecular consequence: missense variant.
Genome position (GRCh38, 1-based): chr6:7,565,441, A>C. VCF-style: chr6-7565441-A-C. GRCh37 (hg19) VCF-style: chr6-7565674-A-C.
Other names: c.860A>C, p.Asn287Thr (NM_001008844.3, NM_001319034.2, NM_001406591.1); short protein forms N287T.
Identifiers: ClinVar variation 2953974 (VCV002953974.3), dbSNP rs138872423, ClinGen allele CA362674396.

ClinVar aggregate classification (germline): Uncertain significance (1 of 4 stars; one submission).

Conditions:
Arrhythmogenic cardiomyopathy with wooly hair and keratoderma. Also called: PALMOPLANTAR KERATODERMA WITH LEFT VENTRICULAR CARDIOMYOPATHY AND WOOLLY HAIR; Carvajal syndrome; Arrhythmogenic cardiomyopathy with woolly hair and keratoderma; Dilated cardiomyopathy with woolly hair and keratoderma. Identifiers: Orphanet 65282, MedGen C1854063, MONDO:0011581, OMIM 605676.
Arrhythmogenic right ventricular dysplasia 8 (ARVD8). Also called: Arrhythmogenic Right Ventricular Dysplasia/Cardiomyopathy 8; ARRHYTHMOGENIC RIGHT VENTRICULAR DYSPLASIA, FAMILIAL, 8; ARRHYTHMOGENIC RIGHT VENTRICULAR CARDIOMYOPATHY 8. Identifiers: MedGen C1843896, MONDO:0011831, OMIM 607450.

Submission:

Labcorp Genetics (formerly Invitae), Labcorp
Classification: Uncertain significance for Arrhythmogenic cardiomyopathy with wooly hair and keratoderma; Arrhythmogenic right ventricular dysplasia 8. Last evaluated: 2024-02-01. Review status: criteria provided, single submitter. Criteria: Invitae Variant Classification Sherloc (09022015). Collection method: clinical testing. Allele origin: germline.
Comment: This sequence change replaces asparagine, which is neutral and polar, with threonine, which is neutral and polar, at codon 287 of the DSP protein (p.Asn287Thr). This variant is not present in population databases (gnomAD no frequency). This variant has not been reported in the literature in individuals affected with DSP-related conditions. An algorithm developed to predict the effect of missense changes on protein structure and function (PolyPhen-2) suggests that this variant is likely to be disruptive. This variant disrupts the p.Asn287 amino acid residue in DSP. Other variant(s) that disrupt this residue have been determined to be pathogenic (PMID: 11841538, 25225338, 25765472). This suggests that this residue is clinically significant, and that variants that disrupt this residue are likely to be disease-causing. In summary, the available evidence is currently insufficient to determine the role of this variant in disease. Therefore, it has been classified as a Variant of Uncertain Significance.

Literature cited by the submitters: PubMed 11841538; PubMed 25225338; PubMed 25765472.